The following is an entry in ClinVar:

ClinVar aggregate classification (germline): Uncertain significance (1 of 4 stars; one submission).

Conditions:
Gorlin syndrome. Also called: Basal cell nevus syndrome; Nevoid Basal Cell Carcinoma Syndrome. Identifiers: Orphanet 377, MedGen C0004779, MONDO:0007187.

Submission:

Labcorp Genetics (formerly Invitae), Labcorp
Classification: Uncertain significance for Gorlin syndrome. Last evaluated: 2020-05-25. Review status: criteria provided, single submitter. Criteria: Invitae Variant Classification Sherloc (09022015). Collection method: clinical testing. Allele origin: germline.
Comment: In summary, the available evidence is currently insufficient to determine the role of this variant in disease. Therefore, it has been classified as a Variant of Uncertain Significance. Algorithms developed to predict the effect of missense changes on protein structure and function are either unavailable or do not agree on the potential impact of this missense change (SIFT: "Deleterious"; PolyPhen-2: "Benign"; Align-GVGD: "Class C0"). This variant has not been reported in the literature in individuals with PTCH1-related conditions. This variant is not present in population databases (ExAC no frequency). This sequence change replaces lysine with arginine at codon 269 of the PTCH1 protein (p.Lys269Arg). The lysine residue is highly conserved and there is a small physicochemical difference between lysine and arginine.

NM_000264.5(PTCH1):c.806A>G (p.Lys269Arg)

Gene: PTCH1 (patched 1; minus strand). Cytogenetic location: 9q22.32.
Variant type: single nucleotide variant.
Coding change: c.806A>G on transcript NM_000264.5 (MANE Select); coding-DNA position 806, A replaced by G.
Protein change: p.Lys269Arg; replaces lysine 269 with arginine.
Molecular consequence: missense variant. On other transcripts: non-coding transcript variant (1).
Genome position (GRCh38, 1-based): chr9:95,480,529, T>C on the plus strand (A>G on the coding strand, the complement: PTCH1 is on the minus strand). VCF-style: chr9-95480529-T-C. GRCh37 (hg19) VCF-style: chr9-98242811-T-C.
Other names: c.608A>G, p.Lys203Arg (NM_001083602.3); c.803A>G, p.Lys268Arg (NM_001083603.3); c.353A>G, p.Lys118Arg (NM_001083604.3, NM_001083605.3, NM_001083606.3 and 1 more transcripts); c.806A>G, p.Lys269Arg (NM_001354918.2); short protein forms K118R, K203R, K268R, K269R.
Identifiers: ClinVar variation 999652 (VCV000999652.9), dbSNP rs1841454562, ClinGen allele CA374114278.